The following is an entry in ClinVar:

NM_005097.4(LGI1):c.838+10G>A

Gene: LGI1 (leucine rich glioma inactivated 1; plus strand). Cytogenetic location: 10q23.33.
Variant type: single nucleotide variant.
Coding change: c.838+10G>A on transcript NM_005097.4 (MANE Select); 10 bases into the intron after coding-DNA position 838, G replaced by A.
Molecular consequence: intron variant.
Genome position (GRCh38, 1-based): chr10:93,793,360, G>A. VCF-style: chr10-93793360-G-A. GRCh37 (hg19) VCF-style: chr10-95553117-G-A.
Other names: p.?; c.838+10G>A (NM_001308275.2); c.694+10G>A (NM_001308276.2).
Identifiers: ClinVar variation 464753 (VCV000464753.11), dbSNP rs756267808, ClinGen allele CA5611190.

ClinVar aggregate classification (germline): Likely benign. Review status: criteria provided, multiple submitters, no conflicts (2 of 4 stars). 2 submissions from 2 submitters: Likely benign (2). Last evaluated 2025-08-01.

Conditions:
Autosomal dominant epilepsy with auditory features. Identifiers: Orphanet 101046, MedGen C1838062, MONDO:0010898.

Allele frequency attached by ClinVar (database versions not stated): gnomAD 0.00001; TOPMed 0.00001; ExAC 0.00002; gnomAD exomes 0.00003.
gnomAD v4.1: 44 of 1,611,792 alleles (0.0027%); highest among the groups gnomAD compares: Non-Finnish European, 0.0035%; no homozygotes.

Submissions (2):

Mayo Clinic Laboratories, Mayo Clinic
Classification: Likely benign. Last evaluated: 2025-08-01. Review status: criteria provided, single submitter. Criteria: ACMG Guidelines, 2015. Collection method: clinical testing. Allele origin: germline. Observed: 1 variant allele.
Comment: BP4, BP7

Labcorp Genetics (formerly Invitae), Labcorp
Classification: Likely benign for Autosomal dominant epilepsy with auditory features. Last evaluated: 2025-07-18. Review status: criteria provided, single submitter. Criteria: Invitae Variant Classification Sherloc (09022015). Collection method: clinical testing. Allele origin: germline.